The following is an entry in ClinVar:

ClinVar aggregate classification (germline): Conflicting classifications of pathogenicity. Review status: criteria provided, conflicting classifications (1 of 4 stars). 3 submissions from 3 submitters: Uncertain significance (1); Likely benign (2). Last evaluated 2026-02-10.

Allele frequency attached by ClinVar (database versions not stated): ExAC 0.00033; gnomAD 0.00068; ESP Exome Variant Server 0.00123; 1000 Genomes Project 30x 0.00156; TOPMed 0.00066; 1000 Genomes Project 0.00140; gnomAD exomes 0.00022.

Submissions (3):

GeneDx
Classification: Uncertain significance. Last evaluated: 2026-02-10. Review status: criteria provided, single submitter. Criteria: GeneDx Variant Classification Process June 2021. Collection method: clinical testing. Allele origin: germline.
Comment: In silico analysis supports that this missense variant has a deleterious effect on protein structure/function; Observed as a single heterozygous variant in a patient with mitochondrial DNA depletion syndrome in published literature, although this patient was also homozygous for a variant in the DGUOK gene that the authors considered causative of the phenotype (Mudd et al., 2012); This variant is associated with the following publications: (PMID: 22137549)

Labcorp Genetics (formerly Invitae), Labcorp
Classification: Likely benign. Last evaluated: 2024-11-14. Review status: criteria provided, single submitter. Criteria: Invitae Variant Classification Sherloc (09022015). Collection method: clinical testing. Allele origin: germline.

Breakthrough Genomics
Classification: Likely benign. Review status: criteria provided, single submitter. Criteria: ACMG Guidelines, 2015. Collection method: not provided. Allele origin: germline. Inheritance: Autosomal recessive inheritance. Affected: yes.

NM_018960.6(GNMT):c.469C>T (p.Arg157Trp)

Genes: CNPY3-GNMT (CNPY3-GNMT readthrough; plus strand), GNMT (glycine N-methyltransferase; plus strand). Cytogenetic location: 6p21.1.
Variant type: single nucleotide variant.
Coding change: c.469C>T on transcript NM_018960.6 (MANE Select); coding-DNA position 469, C replaced by T.
Protein change: p.Arg157Trp; replaces arginine 157 with tryptophan.
Molecular consequence: missense variant. On other transcripts: intron variant (2).
Genome position (GRCh38, 1-based): chr6:42,963,089, C>T. VCF-style: chr6-42963089-C-T. GRCh37 (hg19) VCF-style: chr6-42930827-C-T.
Other names: c.271C>T, p.Arg91Trp (NM_001318856.2); c.286C>T, p.Arg96Trp (NM_001318857.2); c.269-91C>T (NM_001318858.2); c.452-40C>T (NM_001318865.2); short protein forms R157W, R91W, R96W.
Identifiers: ClinVar variation 1587938 (VCV001587938.11), dbSNP rs142613217, ClinGen allele CA3810709.
Genomic context (GRCh38, chr6:42,963,089, plus strand): 5'-GCCCTGAGCAGATGGAGTCTTTCTGCCCGTGCCTGGAGCTCAGGGGACCAGAGTGAGCAC[C>T]GGCTGGCGCTGAAAAACATTGCGAGCATGGTGCGGGCAGGGGGCCTACTGGTCATTGATC-3'
Protein context (NP_061833.1, residues 147-167): PDCKGDQSEH[Arg157Trp]LALKNIASMV